The following is an entry in ClinVar:

NM_000217.3(KCNA1):c.1288G>T (p.Val430Phe)

Gene: KCNA1 (potassium voltage-gated channel subfamily A member 1; plus strand). Cytogenetic location: 12p13.32.
Variant type: single nucleotide variant.
Coding change: c.1288G>T on transcript NM_000217.3 (MANE Select); coding-DNA position 1288, G replaced by T.
Protein change: p.Val430Phe; replaces valine 430 with phenylalanine.
Molecular consequence: missense variant.
Genome position (GRCh38, 1-based): chr12:4,912,666, G>T. VCF-style: chr12-4912666-G-T. GRCh37 (hg19) VCF-style: chr12-5021832-G-T.
Other names: c.1288G>T (NM_000217.2); short protein forms V430F.
Identifiers: ClinVar variation 2741871 (VCV002741871.7), dbSNP rs749598869, ClinGen allele CA383456450.

ClinVar aggregate classification (germline): Uncertain significance. Review status: criteria provided, multiple submitters, no conflicts (2 of 4 stars). 3 submissions from 3 submitters: Uncertain significance (2). 1 of the submissions does not count toward it. Last evaluated 2026-04-17.

Conditions:
Episodic ataxia type 1 (EA1). Also called: ATAXIA, EPISODIC, WITH MYOKYMIA; MYOKYMIA WITH PERIODIC ATAXIA; PAROXYSMAL ATAXIA WITH NEUROMYOTONIA, HEREDITARY; Episodic ataxia/myokymia syndrome. Identifiers: Orphanet 37612, Orphanet 972, MedGen C1719788, MONDO:0008047, OMIM 160120.
KCNA1-related disorder. Also called: KCNA1-related disorders; KCNA1-related condition.

gnomAD v4.1: 1 of 1,611,310 alleles (0.000062%); highest among the groups gnomAD compares: Non-Finnish European, 0.000085%; no homozygotes.

Submissions (3):

GeneDx
Classification: Uncertain significance. Last evaluated: 2026-04-17. Review status: criteria provided, single submitter. Criteria: GeneDx Variant Classification Process June 2021. Collection method: clinical testing. Allele origin: germline.
Comment: Not observed at significant frequency in large population cohorts (gnomAD); In silico analysis supports that this missense variant has a deleterious effect on protein structure/function; Has not been previously published as pathogenic or benign to our knowledge

Labcorp Genetics (formerly Invitae), Labcorp
Classification: Uncertain significance for Episodic ataxia type 1. Last evaluated: 2026-01-09. Review status: criteria provided, single submitter. Criteria: Invitae Variant Classification Sherloc (09022015). Collection method: clinical testing. Allele origin: germline.
Comment: This sequence change replaces valine, which is neutral and non-polar, with phenylalanine, which is neutral and non-polar, at codon 430 of the KCNA1 protein (p.Val430Phe). This variant is not present in population databases (gnomAD no frequency). This variant has not been reported in the literature in individuals affected with KCNA1-related conditions. ClinVar contains an entry for this variant (Variation ID: 2741871). Invitae Evidence Modeling of protein sequence and biophysical properties (such as structural, functional, and spatial information, amino acid conservation, physicochemical variation, residue mobility, and thermodynamic stability) has been performed for this missense variant. However, the output from this modeling did not meet the statistical confidence thresholds required to predict the impact of this variant on KCNA1 protein function. In summary, the available evidence is currently insufficient to determine the role of this variant in disease. Therefore, it has been classified as a Variant of Uncertain Significance.

PreventionGenetics, part of Exact Sciences
Classification: Uncertain significance for KCNA1-related condition. Last evaluated: 2024-01-16. Review status: no assertion criteria provided. Collection method: clinical testing. Allele origin: germline. Not counted in ClinVar's aggregate classification.
Comment: The KCNA1 c.1288G>T variant is predicted to result in the amino acid substitution p.Val430Phe. To our knowledge, this variant has not been reported in the literature or in a large population database, indicating this variant is rare. At this time, the clinical significance of this variant is uncertain due to the absence of conclusive functional and genetic evidence.